The following is an entry in ClinVar:

ClinVar aggregate classification (germline): Pathogenic. Review status: reviewed by expert panel (3 of 4 stars). 3 submissions from 3 submitters: Pathogenic (1). 2 of the submissions do not count toward it. Last evaluated 2016-10-18.

Conditions:
Hereditary cancer-predisposing syndrome. Also called: Hereditary Cancer Syndrome; Neoplastic Syndromes, Hereditary; Hereditary neoplastic syndrome; Tumor predisposition. Identifiers: Orphanet 140162, MedGen C0027672, MeSH D009386, MONDO:0015356.
Breast-ovarian cancer, familial, susceptibility to, 1 (BROVCA1). Also called: BRCA1 Hereditary Breast and Ovarian Cancer; OVARIAN CANCER, SUSCEPTIBILITY TO. Identifiers: Orphanet 145, MedGen C2676676, MONDO:0011450, OMIM 604370. Disease mechanism: loss of function.

Submissions (3):

Evidence-based Network for the Interpretation of Germline Mutant Alleles (ENIGMA)
Classification: Pathogenic for Breast-ovarian cancer, familial, susceptibility to, 1. Last evaluated: 2016-10-18. Review status: reviewed by expert panel. Criteria: ENIGMA BRCA1/2 Classification Criteria (2015). Collection method: curation. Allele origin: germline.
Comment: Variant allele predicted to encode a truncated non-functional protein.

Molecular Diagnostics Laboratory, Catalan Institute of Oncology
Classification: Pathogenic for Hereditary cancer-predisposing syndrome. Last evaluated: 2025-05-11. Review status: criteria provided, single submitter. Criteria: ClinGen BRCA1BRCA2 ACMG Specifications BRCA1 V1.0.0. Collection method: clinical testing. Allele origin: germline. Not counted in ClinVar's aggregate classification.
Comment: PVS1, PM2_Supporting, PM5_PTC_Strong c.1390dup, located in exon 10 of the BRCA1 gene, consists in the duplication of 1 nucleotide, causing a translational frameshift with a predicted alternate stop codon (p.(Thr464Asnfs*16)). This alteration is expected to result in loss of function by premature protein truncation and nonsense-mediated mRNA decay (PVS1, PM5_PTC_Strong). It is not present in the population database gnomAD v2.1.1, non cancer dataset (PM2_supporting). The SpliceAI algorithm predicts no significant impact on splicing. To our knowledge, neither multifactorial analysis nor well-stablished functional studies have been reported for this variant. It has been reported as a pathogenic variant in the following databases: BRCA Exchange, ClinVar and LOVD. Based on the currently available information, c.1390dup is classified as a pathogenic variant according to ClinGen-BRCA1 Guidelines version 1.

Consortium of Investigators of Modifiers of BRCA1/2 (CIMBA), c/o University of Cambridge
Classification: Pathogenic for Breast-ovarian cancer, familial, susceptibility to, 1. Last evaluated: 2015-10-02. Review status: criteria provided, single submitter. Criteria: CIMBA Mutation Classification guidelines May 2016. Collection method: clinical testing. Allele origin: germline. Not counted in ClinVar's aggregate classification.

NM_007294.4(BRCA1):c.1390dup (p.Thr464fs)

Gene: BRCA1 (BRCA1 DNA repair associated; minus strand). Cytogenetic location: 17q21.31.
Variant type: Duplication.
Coding change: c.1390dup on transcript NM_007294.4 (MANE Select); coding-DNA position 1390, one base duplicated (A; older notation c.1390dupA).
Protein change: p.Thr464fs; shifts the reading frame from threonine 464.
Molecular consequence: frameshift variant. On other transcripts: intron variant (137).
Genome position (GRCh38, 1-based): chr17:43,094,141, T duplicated on the plus strand (A on the coding strand, the reverse complement: BRCA1 is on the minus strand); the first of 4 consecutive T bases (chr17:43,094,141-43,094,144); duplicating any one gives the same sequence. VCF-style (leftmost placement, unchanged base first): chr17-43094140-G-GT. GRCh37 (hg19) VCF-style: chr17-41246157-G-GT.
Other names: 1509insA-ter474; c.1390dup, p.Thr464fs (NM_007294.3, NM_001407581.1, NM_001407582.1 and 31 more transcripts); c.1177dup, p.Thr393fs (NM_001407571.1, NM_001407853.1, NM_001407894.1 and 9 more transcripts); c.1387dup, p.Thr463fs (NM_001407610.1, NM_001407611.1, NM_001407612.1 and 22 more transcripts); c.1381dup, p.Thr461fs (NM_001407646.1, NM_001407647.1); c.1267dup, p.Thr423fs (NM_001407648.1, NM_001407664.1, NM_001407665.1 and 19 more transcripts); c.1264dup, p.Thr422fs (NM_001407649.1, NM_001407670.1, NM_001407671.1 and 11 more transcripts); c.1312dup, p.Thr438fs (NM_001407653.1, NM_001407654.1, NM_001407655.1 and 4 more transcripts); and 41 more; short protein forms T464fs, T417fs, T296fs, T375fs, T393fs, T423fs, T336fs, T337fs.
Identifiers: ClinVar variation 266164 (VCV000266164.8), dbSNP rs80357770, ClinGen allele CA10589940.